The following is an entry in ClinVar:

NM_013266.4(CTNNA3):c.1048-7T>C

Gene: CTNNA3 (catenin alpha 3; minus strand). Cytogenetic location: 10q21.3.
Variant type: single nucleotide variant.
Coding change: c.1048-7T>C on transcript NM_013266.4 (MANE Select); 7 bases into the intron before coding-DNA position 1048, T replaced by C.
Molecular consequence: intron variant.
Genome position (GRCh38, 1-based): chr10:66,775,531, A>G on the plus strand (T>C on the coding strand, the complement: CTNNA3 is on the minus strand). VCF-style: chr10-66775531-A-G. GRCh37 (hg19) VCF-style: chr10-68535289-A-G.
Other names: c.1048-7T>C (NM_001127384.3).
Identifiers: ClinVar variation 2640515 (VCV002640515.24), dbSNP rs2547557704, ClinGen allele CA2695199498.

ClinVar aggregate classification (germline): Uncertain significance (1 of 4 stars; one submission).

Submission:

CeGaT Center for Human Genetics Tuebingen
Classification: Uncertain significance. Last evaluated: 2023-07-01. Review status: criteria provided, single submitter. Criteria: CeGaT Center For Human Genetics Tuebingen Variant Classification Criteria Version 2. Collection method: clinical testing. Allele origin: germline. Affected: yes. Observed: 1 variant allele.
Comment: CTNNA3: PM2, BP4